The following is an entry in ClinVar:

ClinVar aggregate classification (germline): Conflicting classifications of pathogenicity. Review status: criteria provided, conflicting classifications (1 of 4 stars). 2 submissions from 2 submitters: Uncertain significance (1); Likely benign (1). Last evaluated 2025-08-22.

Conditions:
ASXL2-related disorder. Also called: ASXL2-related condition.

gnomAD v4.1: 122 of 1,613,834 alleles (0.0076%); highest among the groups gnomAD compares: Non-Finnish European, 0.0097%; no homozygotes.

Submissions (2):

PreventionGenetics, part of Exact Sciences
Classification: Likely benign for ASXL2-related condition. Last evaluated: 2025-08-22. Review status: criteria provided, single submitter. Criteria: ACMG Guidelines, 2015. Collection method: clinical testing. Allele origin: germline.
Comment: This variant is classified as likely benign based on ACMG/AMP sequence variant interpretation guidelines (Richards et al. 2015 PMID: 25741868, with internal and published modifications).

Labcorp Genetics (formerly Invitae), Labcorp
Classification: Uncertain significance. Last evaluated: 2025-06-30. Review status: criteria provided, single submitter. Criteria: Invitae Variant Classification Sherloc (09022015). Collection method: clinical testing. Allele origin: germline.
Comment: This sequence change replaces glycine, which is neutral and non-polar, with valine, which is neutral and non-polar, at codon 912 of the ASXL2 protein (p.Gly912Val). This variant is present in population databases (rs369252695, gnomAD 0.009%). This variant has not been reported in the literature in individuals affected with ASXL2-related conditions. ClinVar contains an entry for this variant (Variation ID: 3618724). Invitae Evidence Modeling of protein sequence and biophysical properties (such as structural, functional, and spatial information, amino acid conservation, physicochemical variation, residue mobility, and thermodynamic stability) indicates that this missense variant is not expected to disrupt ASXL2 protein function with a negative predictive value of 80%. In summary, the available evidence is currently insufficient to determine the role of this variant in disease. Therefore, it has been classified as a Variant of Uncertain Significance.

NM_018263.6(ASXL2):c.2735G>T (p.Gly912Val)

Gene: ASXL2 (ASXL transcriptional regulator 2; minus strand). Cytogenetic location: 2p23.3.
Variant type: single nucleotide variant.
Coding change: c.2735G>T on transcript NM_018263.6 (MANE Select); coding-DNA position 2735, G replaced by T.
Protein change: p.Gly912Val; replaces glycine 912 with valine.
Molecular consequence: missense variant.
Genome position (GRCh38, 1-based): chr2:25,743,602, C>A on the plus strand (G>T on the coding strand, the complement: ASXL2 is on the minus strand). VCF-style: chr2-25743602-C-A. GRCh37 (hg19) VCF-style: chr2-25966471-C-A.
Other names: c.2735G>T (NM_018263.4); c.2561G>T, p.Gly854Val (NM_001369346.1); c.1955G>T, p.Gly652Val (NM_001369347.1); short protein forms G652V, G854V, G912V.
Identifiers: ClinVar variation 3618724 (VCV003618724.3).